The following is an entry in ClinVar:

NM_000875.5(IGF1R):c.166G>A (p.Glu56Lys)

Gene: IGF1R (insulin like growth factor 1 receptor; plus strand). Cytogenetic location: 15q26.3.
Variant type: single nucleotide variant.
Coding change: c.166G>A on transcript NM_000875.5 (MANE Select); coding-DNA position 166, G replaced by A.
Protein change: p.Glu56Lys; replaces glutamic acid 56 with lysine.
Molecular consequence: missense variant.
Genome position (GRCh38, 1-based): chr15:98,707,633, G>A. VCF-style: chr15-98707633-G-A. GRCh37 (hg19) VCF-style: chr15-99250862-G-A.
Other names: c.166G>A (NM_000875.4); c.166G>A, p.Glu56Lys (NM_001291858.2); short protein forms E56K.
Identifiers: ClinVar variation 3253033 (VCV003253033.7), dbSNP rs2141258832.

ClinVar aggregate classification (germline): Uncertain significance. Review status: criteria provided, multiple submitters, no conflicts (2 of 4 stars). 3 submissions from 3 submitters: Uncertain significance (3). Last evaluated 2026-05-12.

Conditions:
Growth delay due to insulin-like growth factor I resistance. Also called: Somatomedin end-organ insensitivity to; Somatomedin-c resistance to; IGF-1 resistance; IGF-I RESISTANCE; Insulin-Like Growth Factor I Resistance. Identifiers: Orphanet 73273, MedGen C1849157, MONDO:0010038, OMIM 270450.

Submissions (3):

GeneDx
Classification: Uncertain significance. Last evaluated: 2026-05-12. Review status: criteria provided, single submitter. Criteria: GeneDx Variant Classification Process June 2021. Collection method: clinical testing. Allele origin: germline.
Comment: Has been observed in father and three children with short stature; however two of these children and another sibling with short stature had a maternally inherited LHX4 variant and variable pituitary gland anomalies (PMID: 40150646); Not observed at significant frequency in large population cohorts (gnomAD); In silico analysis supports that this missense variant has a deleterious effect on protein structure/function; This variant is associated with the following publications: (PMID: 40150646, Jeong2025[Abstract])

CeGaT Center for Human Genetics Tuebingen
Classification: Uncertain significance. Last evaluated: 2026-01-01. Review status: criteria provided, single submitter. Criteria: CeGaT Center For Human Genetics Tuebingen Variant Classification Criteria Version 2. Collection method: clinical testing. Allele origin: germline. Affected: yes. Observed: 1 variant allele.
Comment: IGF1R: PM2

Department of Genetics, Rouen University Hospital, Normandy Center for Genomic and Personalized Medicine
Classification: Uncertain significance for Growth delay due to insulin-like growth factor I resistance. Last evaluated: 2024-12-23. Review status: criteria provided, single submitter. Criteria: ACMG Guidelines, 2015. Collection method: clinical testing. Allele origin: unknown. Affected: yes.